The following is an entry in ClinVar:

NM_001348768.2(HECW2):c.2933A>G (p.Asn978Ser)

Gene: HECW2 (HECT, C2 and WW domain containing E3 ubiquitin protein ligase 2; minus strand). Cytogenetic location: 2q32.3.
Variant type: single nucleotide variant.
Coding change: c.2933A>G on transcript NM_001348768.2 (MANE Select); coding-DNA position 2933, A replaced by G.
Protein change: p.Asn978Ser; replaces asparagine 978 with serine.
Molecular consequence: missense variant.
Genome position (GRCh38, 1-based): chr2:196,292,632, T>C on the plus strand (A>G on the coding strand, the complement: HECW2 is on the minus strand). VCF-style: chr2-196292632-T-C. GRCh37 (hg19) VCF-style: chr2-197157356-T-C.
Other names: c.1865A>G, p.Asn622Ser (NM_001304840.3); c.2933A>G, p.Asn978Ser (NM_020760.4); short protein forms N622S, N978S.
Identifiers: ClinVar variation 3372515 (VCV003372515.1).
Genomic context (GRCh38, chr2:196,292,632, plus strand): 5'-TGGTGATCATGTTTCATTTCCCATCCCCGCGGCAGCTCTAGCTGTTTGTTCGCGAACATG[T>C]TGAGGAATCCCACAAGGTCGCGGTTATGCTGGTAGCGTTCAAAGTGGTGGGTGTCCCTCC-3'
Protein context (NP_001335697.1, residues 968-988): QHNRDLVGFL[Asn978Ser]MFANKQLELP

ClinVar aggregate classification (germline): Uncertain significance (1 of 4 stars; one submission).

Submission:

GeneDx
Classification: Uncertain significance. Last evaluated: 2024-04-17. Review status: criteria provided, single submitter. Criteria: GeneDx Variant Classification Process June 2021. Collection method: clinical testing. Allele origin: germline. Affected: yes.
Comment: Not observed at significant frequency in large population cohorts (gnomAD); In silico analysis supports that this missense variant has a deleterious effect on protein structure/function; Has not been previously published as pathogenic or benign to our knowledge